The following is an entry in ClinVar:

NM_013444.4(UBQLN2):c.111G>T (p.Val37=)

Gene: UBQLN2 (ubiquilin 2; plus strand). Cytogenetic location: Xp11.21.
Variant type: single nucleotide variant.
Coding change: c.111G>T on transcript NM_013444.4 (MANE Select); coding-DNA position 111, G replaced by T.
Protein change: p.Val37=; no amino-acid change (valine 37 retained).
Molecular consequence: synonymous variant.
Genome position (GRCh38, 1-based): chrX:56,563,984, G>T. VCF-style: chrX-56563984-G-T. GRCh37 (hg19) VCF-style: chrX-56590417-G-T.
Identifiers: ClinVar variation 3350044 (VCV003350044.1).

ClinVar aggregate classification (germline): Likely benign (0 of 4 stars; one submission).

Conditions:
UBQLN2-related disorder. Also called: UBQLN2-related condition.

Submission:

PreventionGenetics, part of Exact Sciences
Classification: Likely benign for UBQLN2-related condition. Last evaluated: 2024-08-12. Review status: no assertion criteria provided. Collection method: clinical testing. Allele origin: germline.
Comment: This variant is classified as likely benign based on ACMG/AMP sequence variant interpretation guidelines (Richards et al. 2015 PMID: 25741868, with internal and published modifications).